The following is an entry in ClinVar:

ClinVar aggregate classification (germline): Uncertain significance (1 of 4 stars; one submission).

Submission:

Labcorp Genetics (formerly Invitae), Labcorp
Classification: Uncertain significance. Last evaluated: 2022-02-25. Review status: criteria provided, single submitter. Criteria: Invitae Variant Classification Sherloc (09022015). Collection method: clinical testing. Allele origin: germline.
Comment: This sequence change replaces proline, which is neutral and non-polar, with leucine, which is neutral and non-polar, at codon 191 of the COL18A1 protein (p.Pro191Leu). The COL18A1 gene has multiple clinically relevant transcripts. This variant occurs in alternate transcript NM_030582.4, and corresponds to NM_130445.2:c.107-12140C>T in the primary transcript. This variant has not been reported in the literature in individuals affected with COL18A1-related conditions. In summary, the available evidence is currently insufficient to determine the role of this variant in disease. Therefore, it has been classified as a Variant of Uncertain Significance. Experimental studies and prediction algorithms are not available or were not evaluated, and the functional significance of this variant is currently unknown. This variant is not present in population databases (gnomAD no frequency).

NM_001379500.1(COL18A1):c.107-12140C>T

Gene: COL18A1 (collagen type XVIII alpha 1 chain; plus strand). Cytogenetic location: 21q22.3.
Variant type: single nucleotide variant.
Coding change: c.107-12140C>T on transcript NM_001379500.1 (MANE Select); 12140 bases into the intron before coding-DNA position 107, C replaced by T.
Molecular consequence: intron variant. On other transcripts: missense variant (2).
Genome position (GRCh38, 1-based): chr21:45,456,102, C>T. VCF-style: chr21-45456102-C-T. GRCh37 (hg19) VCF-style: chr21-46876016-C-T.
Other names: c.572C>T, p.Pro191Leu (NM_030582.4, NM_130444.3); short protein forms P191L.
Identifiers: ClinVar variation 1968756 (VCV001968756.5), dbSNP rs2517513852, ClinGen allele CA410506386.
Genomic context (GRCh38, chr21:45,456,102, plus strand): 5'-GCCGTGGCATTCCTAGCTCTCCGGGCGCCCACACAACCGAGGCTGGCACCTTGCCTGCAC[C>T]CACCCCATCGCCTCCCTCCCTGGGCAGGCCCTGGGCACCACTCACGGGGCCCTCAGTGCC-3'